The following is an entry in ClinVar:

ClinVar aggregate classification (germline): Uncertain significance (1 of 4 stars; one submission).

Submission:

Labcorp Genetics (formerly Invitae), Labcorp
Classification: Uncertain significance. Last evaluated: 2024-01-04. Review status: criteria provided, single submitter. Criteria: Invitae Variant Classification Sherloc (09022015). Collection method: clinical testing. Allele origin: germline.
Comment: This variant, c.234_236del, results in the deletion of 1 amino acid(s) of the TBX20 protein (p.Ser79del), but otherwise preserves the integrity of the reading frame. This variant is present in population databases (no rsID available, gnomAD 0.003%). This variant has not been reported in the literature in individuals affected with TBX20-related conditions. Experimental studies and prediction algorithms are not available or were not evaluated, and the functional significance of this variant is currently unknown. In summary, the available evidence is currently insufficient to determine the role of this variant in disease. Therefore, it has been classified as a Variant of Uncertain Significance.

NM_001077653.2(TBX20):c.228CTC[2] (p.Ser79del)

Gene: TBX20 (T-box transcription factor 20; minus strand). Cytogenetic location: 7p14.2.
Variant type: Microsatellite.
Coding change: c.228CTC[2] on transcript NM_001077653.2 (MANE Select); two copies in a row of the 3-base unit CTC starting at c.228; the reference has three copies in a row; one copy, 3 bases deleted.
Protein change: p.Ser79del; deletes serine 79.
Molecular consequence: inframe deletion.
Genome position (GRCh38, 1-based): chr7:35,250,095-35,250,097, GAG deleted on the plus strand (CTC on the coding strand, the reverse complement: TBX20 is on the minus strand); deleting any 3 consecutive bases within chr7:35,250,095-35,250,105 gives the same sequence; the position shown is the placement nearest the transcript's 3' end. VCF-style (leftmost placement, unchanged base first): chr7-35250094-AGAG-A. GRCh37 (hg19) VCF-style: chr7-35289706-AGAG-A.
Other names: c.228CTC[2], p.Ser79del (NM_001166220.1); short protein forms S79del.
Identifiers: ClinVar variation 2855594 (VCV002855594.3), dbSNP rs1384836061, ClinGen allele CA574230055.